The following is an entry in ClinVar:

ClinVar aggregate classification (germline): Uncertain significance (1 of 4 stars; one submission).

Conditions:
MHC class I deficiency. Identifiers: Orphanet 34592, MedGen C6024714, MONDO:0011476.

Allele frequency attached by ClinVar (database versions not stated): TOPMed below 0.00001; ExAC 0.00001; gnomAD 0.00001; gnomAD exomes 0.00001.
gnomAD v4.1: 24 of 1,614,040 alleles (0.0015%); highest among the groups gnomAD compares: Non-Finnish European, 0.0019%; no homozygotes.

Submission:

Labcorp Genetics (formerly Invitae), Labcorp
Classification: Uncertain significance for MHC class I deficiency 1. Last evaluated: 2022-05-28. Review status: criteria provided, single submitter. Criteria: Invitae Variant Classification Sherloc (09022015). Collection method: clinical testing. Allele origin: germline.
Comment: This sequence change replaces leucine, which is neutral and non-polar, with valine, which is neutral and non-polar, at codon 149 of the TAP2 protein (p.Leu149Val). This variant is present in population databases (rs756860669, gnomAD 0.004%). This variant has not been reported in the literature in individuals affected with TAP2-related conditions. Algorithms developed to predict the effect of missense changes on protein structure and function output the following: SIFT: "Deleterious"; PolyPhen-2: "Not Available"; Align-GVGD: "Class C0". The valine amino acid residue is found in multiple mammalian species, which suggests that this missense change does not adversely affect protein function. In summary, the available evidence is currently insufficient to determine the role of this variant in disease. Therefore, it has been classified as a Variant of Uncertain Significance.

NM_001290043.2(TAP2):c.445C>G (p.Leu149Val)

Gene: TAP2 (transporter 2, ATP binding cassette subfamily B member; minus strand). Cytogenetic location: 6p21.32.
Variant type: single nucleotide variant.
Coding change: c.445C>G on transcript NM_001290043.2 (MANE Select); coding-DNA position 445, C replaced by G.
Protein change: p.Leu149Val; replaces leucine 149 with valine.
Molecular consequence: missense variant.
Genome position (GRCh38, 1-based): chr6:32,837,789, G>C on the plus strand (C>G on the coding strand, the complement: TAP2 is on the minus strand). VCF-style: chr6-32837789-G-C. GRCh37 (hg19) VCF-style: chr6-32805566-G-C.
Other names: c.445C>G, p.Leu149Val (NM_000544.3, NM_018833.3); short protein forms L149V.
Identifiers: ClinVar variation 2160554 (VCV002160554.4), dbSNP rs756860669, ClinGen allele CA3746160.